The following is an entry in ClinVar:

ClinVar aggregate classification (germline): Benign (1 of 4 stars; one submission).

gnomAD v4.1: 11 of 1,549,402 alleles (0.00071%); highest among the groups gnomAD compares: Admixed American, 0.018%; no homozygotes.

Submission:

Women's Health and Genetics/Laboratory Corporation of America, LabCorp
Classification: Benign. Last evaluated: 2026-01-13. Review status: criteria provided, single submitter. Criteria: LabCorp Variant Classification Summary - May 2015. Collection method: clinical testing. Allele origin: germline.
Comment: Variant summary: SETBP1 NM_015559.3 c.540+7386C>T is located at a position not widely known to affect splicing. Consensus agreement among computation tools predicts no significant impact on normal splicing. However, these predictions have yet to be confirmed by functional studies. The variant allele was found at a frequency of 7.1e-06 in 1542486 control chromosomes (gnomAD). The occurrence in several controls suggests that this variant is likely not associated with a high penetrance, severe, early onset disease phenotype in heterozygous state. To our knowledge, no occurrence of c.540+7386C>T in individuals affected with SETBP1-related conditions and no experimental evidence demonstrating its impact on protein function have been reported. No submitters have cited clinical-significance assessments for this variant to ClinVar. Based on the evidence outlined above, the variant was classified as benign.

NM_015559.3(SETBP1):c.540+7386C>T

Gene: SETBP1 (SET binding protein 1; plus strand). Cytogenetic location: 18q12.3.
Variant type: single nucleotide variant.
Coding change: c.540+7386C>T on transcript NM_015559.3 (MANE Select); 7386 bases into the intron after coding-DNA position 540, C replaced by T.
Molecular consequence: intron variant. On other transcripts: synonymous variant (1).
Genome position (GRCh38, 1-based): chr18:44,876,669, C>T. VCF-style: chr18-44876669-C-T. GRCh37 (hg19) VCF-style: chr18-42456634-C-T.
Other names: c.645C>T, p.Cys215= (NM_001130110.2); c.540+7386C>T (NM_001379141.1, NM_001410862.1, NM_001379142.1).
Identifiers: ClinVar variation 4819943 (VCV004819943.1).